The following is an entry in ClinVar:

NM_022132.5(MCCC2):c.1335T>A (p.Tyr445Ter)

Gene: MCCC2 (methylcrotonyl-CoA carboxylase subunit 2; plus strand). Cytogenetic location: 5q13.2.
Variant type: single nucleotide variant.
Coding change: c.1335T>A on transcript NM_022132.5 (MANE Select); coding-DNA position 1335, T replaced by A.
Protein change: p.Tyr445Ter; replaces tyrosine 445 with a stop codon.
Molecular consequence: nonsense.
Genome position (GRCh38, 1-based): chr5:71,649,215, T>A. VCF-style: chr5-71649215-T-A. GRCh37 (hg19) VCF-style: chr5-70945042-T-A.
Other names: c.1221T>A, p.Tyr407Ter (NM_001363147.1); short protein forms Y407*, Y445*.
Identifiers: ClinVar variation 5013144 (VCV005013144.1).

ClinVar aggregate classification (germline): Pathogenic (1 of 4 stars; one submission).

Conditions:
3-methylcrotonyl-CoA carboxylase 2 deficiency. Also called: METHYLCROTONYLGLYCINURIA, TYPE II; 3 alpha methylcrotonyl-CoA carboxylase 2 deficiency; 3 alpha methylcrotonylglycinuria 2; MCC 2 deficiency; Methylcrotonylglycinuria type 2. Identifiers: Orphanet 6, MedGen C1859499, MONDO:0008862, OMIM 210210.

Submission:

Myriad Genetics, Inc.
Classification: Pathogenic for 3-methylcrotonyl-CoA carboxylase 2 deficiency. Last evaluated: 2024-06-03. Review status: criteria provided, single submitter. Criteria: Myriad Autosomal Dominant, Autosomal Recessive and X-Linked Classification Criteria (2023). Collection method: clinical testing. Allele origin: unknown.
Comment: NM_022132.4(MCCC2):c.1335T>A(Y445*) is expected to be pathogenic in the context of 3-methylcrotonyl-CoA carboxylase deficiency, MCCC2-related. This variant is predicted to lead to an abnormal or absent protein product due to the creation of a premature termination codon in MCCC2, a gene where loss-of-function variants are known to be pathogenic. Please note: this variant was assessed in the context of healthy population screening.